The following is an entry in ClinVar:

NM_004230.4(S1PR2):c.565C>G (p.His189Asp)

Gene: S1PR2 (sphingosine-1-phosphate receptor 2; minus strand). Cytogenetic location: 19p13.2.
Variant type: single nucleotide variant.
Coding change: c.565C>G on transcript NM_004230.4 (MANE Select); coding-DNA position 565, C replaced by G.
Protein change: p.His189Asp; replaces histidine 189 with aspartic acid.
Molecular consequence: missense variant.
Genome position (GRCh38, 1-based): chr19:10,224,341, G>C on the plus strand (C>G on the coding strand, the complement: S1PR2 is on the minus strand). VCF-style: chr19-10224341-G-C. GRCh37 (hg19) VCF-style: chr19-10335017-G-C.
Other names: short protein forms H189D.
Identifiers: ClinVar variation 2393462 (VCV002393462.4), dbSNP rs150504911, ClinGen allele CA9189072.
Genomic context (GRCh38, chr19:10,224,341, plus strand): 5'-ACAGGGCCACGATGGCCAACAGGATGATGGAGAAGATGGTCACCACGCACAGCACATAAT[G>C]CTTGGCGTAGAGAGGCAGGACAGTGGAGCAGGCCTCGAGGTGGCCCAGGCAGTTCCAGCC-3'
Protein context (NP_004221.3, residues 179-199): CSTVLPLYAK[His189Asp]YVLCVVTIFS

ClinVar aggregate classification (germline): Uncertain significance. Review status: criteria provided, multiple submitters, no conflicts (2 of 4 stars). 2 submissions from 2 submitters: Uncertain significance (2). Last evaluated 2026-09-16.

Conditions:
S1PR2-related disorder. Also called: S1PR2-related condition.
Inborn genetic diseases. Identifiers: MedGen C0950123, MeSH D030342.

Allele frequency attached by ClinVar (database versions not stated): ExAC 0.00009; ESP Exome Variant Server 0.00023; gnomAD exomes 0.00030.
gnomAD v4.1: 450 of 1,614,024 alleles (0.028%); highest among the groups gnomAD compares: Non-Finnish European, 0.037%; no homozygotes.

Submissions (2):

PreventionGenetics, part of Exact Sciences
Classification: Uncertain significance for S1PR2-related condition. Last evaluated: 2026-09-16. Review status: criteria provided, single submitter. Criteria: ACMG Guidelines, 2015. Collection method: clinical testing. Allele origin: germline.
Comment: The S1PR2 c.565C>G variant is predicted to result in the amino acid substitution p.His189Asp. To our knowledge, this variant has not been reported in the literature. This variant is reported in 0.020% of alleles in individuals of European (Non-Finnish) descent in gnomAD. At this time, the clinical significance of this variant is uncertain due to the absence of conclusive functional and genetic evidence.

Ambry Genetics
Classification: Uncertain significance for Inborn genetic diseases. Last evaluated: 2025-02-08. Review status: criteria provided, single submitter. Criteria: Ambry Variant Classification Scheme 2023. Collection method: clinical testing. Allele origin: germline.